The following is an entry in ClinVar:

ClinVar aggregate classification (germline): Uncertain significance. Review status: criteria provided, multiple submitters, no conflicts (2 of 4 stars). 2 submissions from 2 submitters: Uncertain significance (2). Last evaluated 2025-04-04.

Conditions:
3-methylcrotonyl-CoA carboxylase 1 deficiency (MCC1D). Also called: MCCD TYPE 1; METHYLCROTONYLGLYCINURIA TYPE I; MCC 1 deficiency; 3 Alpha methylcrotonylglycinuria 1. Identifiers: Orphanet 6, MedGen CN028786, MONDO:0008861, OMIM 210200.

Submissions (2):

Labcorp Genetics (formerly Invitae), Labcorp
Classification: Uncertain significance for 3-methylcrotonyl-CoA carboxylase 1 deficiency. Last evaluated: 2025-04-04. Review status: criteria provided, single submitter. Criteria: Invitae Variant Classification Sherloc (09022015). Collection method: clinical testing. Allele origin: germline.
Comment: This sequence change replaces serine, which is neutral and polar, with proline, which is neutral and non-polar, at codon 406 of the MCCC1 protein (p.Ser406Pro). This variant is not present in population databases (gnomAD no frequency). This missense change has been observed in individual(s) with 3-methylcrotonyl-CoA carboxylase (3MCC) deficiency (internal data). ClinVar contains an entry for this variant (Variation ID: 939583). Invitae Evidence Modeling of protein sequence and biophysical properties (such as structural, functional, and spatial information, amino acid conservation, physicochemical variation, residue mobility, and thermodynamic stability) has been performed for this missense variant. However, the output from this modeling did not meet the statistical confidence thresholds required to predict the impact of this variant on MCCC1 protein function. In summary, the available evidence is currently insufficient to determine the role of this variant in disease. Therefore, it has been classified as a Variant of Uncertain Significance.

Revvity Omics, Revvity
Classification: Uncertain significance for 3-methylcrotonyl-CoA carboxylase 1 deficiency. Last evaluated: 2023-05-07. Review status: criteria provided, single submitter. Criteria: ACMG Guidelines, 2015. Collection method: clinical testing. Allele origin: germline.

NM_020166.5(MCCC1):c.1216T>C (p.Ser406Pro)

Gene: MCCC1 (methylcrotonyl-CoA carboxylase subunit 1; minus strand). Cytogenetic location: 3q27.1.
Variant type: single nucleotide variant.
Coding change: c.1216T>C on transcript NM_020166.5 (MANE Select); coding-DNA position 1216, T replaced by C.
Protein change: p.Ser406Pro; replaces serine 406 with proline.
Molecular consequence: missense variant. On other transcripts: non-coding transcript variant (2).
Genome position (GRCh38, 1-based): chr3:183,041,618, A>G on the plus strand (T>C on the coding strand, the complement: MCCC1 is on the minus strand). VCF-style: chr3-183041618-A-G. GRCh37 (hg19) VCF-style: chr3-182759406-A-G.
Other names: c.865T>C, p.Ser289Pro (NM_001293273.2); c.889T>C, p.Ser297Pro (NM_001363880.1); short protein forms S297P, S406P, S289P.
Identifiers: ClinVar variation 939583 (VCV000939583.9), dbSNP rs1714092180, ClinGen allele CA355322537.